The following is an entry in ClinVar:

ClinVar aggregate classification (germline): Uncertain significance. Review status: criteria provided, multiple submitters, no conflicts (2 of 4 stars). 2 submissions from 2 submitters: Uncertain significance (2). Last evaluated 2025-05-25.

Allele frequency attached by ClinVar (database versions not stated): gnomAD exomes below 0.00001.
gnomAD v4.1: 6 of 1,613,040 alleles (0.00037%); highest among the groups gnomAD compares: East Asian, 0.0067%; no homozygotes.

Submissions (2):

Labcorp Genetics (formerly Invitae), Labcorp
Classification: Uncertain significance. Last evaluated: 2025-05-25. Review status: criteria provided, single submitter. Criteria: Invitae Variant Classification Sherloc (09022015). Collection method: clinical testing. Allele origin: germline.
Comment: This sequence change replaces methionine, which is neutral and non-polar, with isoleucine, which is neutral and non-polar, at codon 268 of the POLG2 protein (p.Met268Ile). This variant is present in population databases (no rsID available, gnomAD 0.0009%). This variant has not been reported in the literature in individuals affected with POLG2-related conditions. ClinVar contains an entry for this variant (Variation ID: 1711445). An algorithm developed to predict the effect of missense changes on protein structure and function (PolyPhen-2) suggests that this variant is likely to be tolerated. In summary, the available evidence is currently insufficient to determine the role of this variant in disease. Therefore, it has been classified as a Variant of Uncertain Significance.

CeGaT Center for Human Genetics Tuebingen
Classification: Uncertain significance. Last evaluated: 2022-08-01. Review status: criteria provided, single submitter. Criteria: CeGaT Center For Human Genetics Tuebingen Variant Classification Criteria Version 2. Collection method: clinical testing. Allele origin: germline. Affected: yes. Observed: 1 variant allele.
Comment: POLG2: PM2, BP4

NM_007215.4(POLG2):c.804G>C (p.Met268Ile)

Genes: MILR1 (mast cell immunoglobulin like receptor 1; plus strand), POLG2 (DNA polymerase gamma 2, accessory subunit; minus strand). Cytogenetic location: 17q23.3.
Variant type: single nucleotide variant.
Coding change: c.804G>C on transcript NM_007215.4 (MANE Select); coding-DNA position 804, G replaced by C.
Protein change: p.Met268Ile; replaces methionine 268 with isoleucine.
Molecular consequence: missense variant.
Genome position (GRCh38, 1-based): chr17:64,490,961, C>G on the plus strand (G>C on the coding strand, the complement: POLG2 is on the minus strand). VCF-style: chr17-64490961-C-G. GRCh37 (hg19) VCF-style: chr17-62487078-C-G.
Other names: short protein forms M268I.
Identifiers: ClinVar variation 1711445 (VCV001711445.31), dbSNP rs1307243975, ClinGen allele CA400638770.
Genomic context (GRCh38, chr17:64,490,961, plus strand): 5'-TTTGTTTCCTTTCCGGCCTTCTTCATCCTGACAGTCACTGCTGCTGAAGTTAGATGGACT[C>G]ATGGCAAACTGGAAAAGAAAATTTAAGTTTGTCTTAACATATTTAAATAAACACTAATTT-3'
Protein context (NP_009146.2, residues 258-278): HRLQWWRKFA[Met268Ile]SPSNFSSSDC